The following is an entry in ClinVar:

ClinVar aggregate classification (germline): Benign/Likely benign. Review status: criteria provided, multiple submitters, no conflicts (2 of 4 stars). 3 submissions from 3 submitters: Benign (1); Likely benign (2). Last evaluated 2024-03-28.

Conditions:
Hereditary cancer-predisposing syndrome. Also called: Hereditary Cancer Syndrome; Neoplastic Syndromes, Hereditary; Tumor predisposition; Hereditary neoplastic syndrome. Identifiers: Orphanet 140162, MedGen C0027672, MeSH D009386, MONDO:0015356.
Familial adenomatous polyposis 1 (FAP1). Also called: FAMILIAL ADENOMATOUS POLYPOSIS 1, ATTENUATED; POLYPOSIS, ADENOMATOUS INTESTINAL. Identifiers: MedGen C2713442, MONDO:0021056, OMIM 175100. Disease mechanism: loss of function.

Submissions (3):

Myriad Genetics, Inc.
Classification: Benign for Familial adenomatous polyposis 1. Last evaluated: 2024-03-28. Review status: criteria provided, single submitter. Criteria: Myriad Autosomal Dominant, Autosomal Recessive and X-Linked Classification Criteria (2023). Collection method: clinical testing. Allele origin: unknown.
Comment: This variant is considered benign. This variant is a silent/synonymous amino acid change and it is not expected to impact splicing.

Labcorp Genetics (formerly Invitae), Labcorp
Classification: Likely benign for Familial adenomatous polyposis 1. Last evaluated: 2024-02-15. Review status: criteria provided, single submitter. Criteria: Invitae Variant Classification Sherloc (09022015). Collection method: clinical testing. Allele origin: germline.

Ambry Genetics
Classification: Likely benign for Hereditary cancer-predisposing syndrome. Last evaluated: 2020-12-21. Review status: criteria provided, single submitter. Criteria: Ambry Variant Classification Scheme 2023. Collection method: clinical testing. Allele origin: germline.

NM_000038.6(APC):c.5037A>G (p.Ala1679=)

Gene: APC (APC regulator of Wnt signaling pathway; plus strand). Cytogenetic location: 5q22.2.
Variant type: single nucleotide variant.
Coding change: c.5037A>G on transcript NM_000038.6 (MANE Select); coding-DNA position 5037, A replaced by G.
Protein change: p.Ala1679=; no amino-acid change (alanine 1679 retained).
Molecular consequence: synonymous variant. On other transcripts: non-coding transcript variant (2).
Genome position (GRCh38, 1-based): chr5:112,840,631, A>G. VCF-style: chr5-112840631-A-G. GRCh37 (hg19) VCF-style: chr5-112176328-A-G.
Other names: c.5037A>G, p.Ala1679= (NM_001127510.3, NM_001354895.2, NM_001407450.1); c.4983A>G, p.Ala1661= (NM_001127511.3); c.5091A>G, p.Ala1697= (NM_001354896.2, NM_001407447.1, NM_001407448.1 and 1 more transcripts); c.5067A>G, p.Ala1689= (NM_001354897.2); c.4962A>G, p.Ala1654= (NM_001354898.2); c.4953A>G, p.Ala1651= (NM_001354899.2); c.4914A>G, p.Ala1638= (NM_001354900.2); c.4860A>G, p.Ala1620= (NM_001354901.2, NM_001407453.1); and 11 more.
Identifiers: ClinVar variation 1744920 (VCV001744920.7), dbSNP rs1765833243, ClinGen allele CA446209533.